The following is an entry in ClinVar:

ClinVar aggregate classification (germline): Likely pathogenic (1 of 4 stars; one submission).

Conditions:
Leukoencephalopathy with vanishing white matter 3 (VWM3). Also called: Leukoencephalopathy with vanishing white matter 3, with or without ovarian failure; EIF2B3-Related Childhood Ataxia with Central Nervous System Hypomyelination/Vanishing White Matter. Identifiers: MedGen C5830405, MONDO:0957871, OMIM 620313.

Submission:

Service de Génétique Médicale, Centre Hospitalier Universitaire de Nice-Université Côte d'Azur
Classification: Likely pathogenic for Leukoencephalopathy with vanishing white matter 3. Last evaluated: 2024-02-27. Review status: criteria provided, single submitter. Criteria: ACMG Guidelines, 2015. Collection method: clinical testing. Allele origin: germline. Affected: yes.

Literature cited by the submitters: PubMed 38703036.

NM_020365.5(EIF2B3):c.935G>T (p.Arg312Leu)

Gene: EIF2B3 (eukaryotic translation initiation factor 2B subunit gamma; minus strand). Cytogenetic location: 1p34.1.
Variant type: single nucleotide variant.
Coding change: c.935G>T on transcript NM_020365.5 (MANE Select); coding-DNA position 935, G replaced by T.
Protein change: p.Arg312Leu; replaces arginine 312 with leucine.
Molecular consequence: missense variant.
Genome position (GRCh38, 1-based): chr1:44,879,858, C>A on the plus strand (G>T on the coding strand, the complement: EIF2B3 is on the minus strand). VCF-style: chr1-44879858-C-A. GRCh37 (hg19) VCF-style: chr1-45345530-C-A.
Other names: c.935G>T, p.Arg312Leu (NM_001166588.3, NM_001261418.2); short protein forms R312L.
Identifiers: ClinVar variation 3767196 (VCV003767196.1).